The following is an entry in ClinVar:

NM_018897.3(DNAH7):c.3769A>T (p.Asn1257Tyr)

Gene: DNAH7 (dynein axonemal heavy chain 7; minus strand). Cytogenetic location: 2q32.3.
Variant type: single nucleotide variant.
Coding change: c.3769A>T on transcript NM_018897.3 (MANE Select); coding-DNA position 3769, A replaced by T.
Protein change: p.Asn1257Tyr; replaces asparagine 1257 with tyrosine.
Molecular consequence: missense variant.
Genome position (GRCh38, 1-based): chr2:195,923,651, T>A on the plus strand (A>T on the coding strand, the complement: DNAH7 is on the minus strand). VCF-style: chr2-195923651-T-A. GRCh37 (hg19) VCF-style: chr2-196788375-T-A.
Other names: short protein forms N1257Y.
Identifiers: ClinVar variation 3342358 (VCV003342358.1).

ClinVar aggregate classification (germline): Uncertain significance (1 of 4 stars; one submission).

gnomAD v4.1: 13 of 1,613,862 alleles (0.00081%); highest among the groups gnomAD compares: African/African-American, 0.0053%; no homozygotes.

Submission:

GeneDx
Classification: Uncertain significance. Last evaluated: 2022-01-21. Review status: criteria provided, single submitter. Criteria: GeneDx Variant Classification Process June 2021. Collection method: clinical testing. Allele origin: germline. Affected: yes.
Comment: Variants in candidate genes are classified as variants of uncertain significance in accordance with ACMG guidelines (Richards et al., 2015); Not observed at significant frequency in large population cohorts (gnomAD); In silico analysis supports that this missense variant has a deleterious effect on protein structure/function; Has not been previously published as pathogenic or benign to our knowledge